The following is an entry in ClinVar:

NM_001694.4(ATP6V0C):c.287G>A (p.Gly96Asp)

Gene: ATP6V0C (ATPase H+ transporting V0 subunit c; plus strand). Cytogenetic location: 16p13.3.
Variant type: single nucleotide variant.
Coding change: c.287G>A on transcript NM_001694.4 (MANE Select); coding-DNA position 287, G replaced by A.
Protein change: p.Gly96Asp; replaces glycine 96 with aspartic acid.
Molecular consequence: missense variant.
Genome position (GRCh38, 1-based): chr16:2,519,564, G>A. VCF-style: chr16-2519564-G-A. GRCh37 (hg19) VCF-style: chr16-2569565-G-A.
Other names: c.287G>A, p.Gly96Asp (NM_001198569.2); short protein forms G96D.
Identifiers: ClinVar variation 4057069 (VCV004057069.1).

ClinVar aggregate classification (germline): Uncertain significance (1 of 4 stars; one submission).

Submission:

GeneDx
Classification: Uncertain significance. Last evaluated: 2025-01-13. Review status: criteria provided, single submitter. Criteria: GeneDx Variant Classification Process June 2021. Collection method: clinical testing. Allele origin: germline. Affected: yes.
Comment: Not observed at significant frequency in large population cohorts (gnomAD); In silico analysis supports that this missense variant has a deleterious effect on protein structure/function; Has not been previously published as pathogenic or benign to our knowledge